The following is an entry in ClinVar:

NM_024675.4(PALB2):c.3344C>T (p.Ala1115Val)

Gene: PALB2 (partner and localizer of BRCA2; minus strand). Cytogenetic location: 16p12.2.
Variant type: single nucleotide variant.
Coding change: c.3344C>T on transcript NM_024675.4 (MANE Select); coding-DNA position 3344, C replaced by T.
Protein change: p.Ala1115Val; replaces alanine 1115 with valine.
Molecular consequence: missense variant.
Genome position (GRCh38, 1-based): chr16:23,607,870, G>A on the plus strand (C>T on the coding strand, the complement: PALB2 is on the minus strand). VCF-style: chr16-23607870-G-A. GRCh37 (hg19) VCF-style: chr16-23619191-G-A.
Other names: short protein forms A1115V.
Identifiers: ClinVar variation 947931 (VCV000947931.10), dbSNP rs1203633436, ClinGen allele CA395139233.

ClinVar aggregate classification (germline): Uncertain significance (1 of 4 stars; one submission).

Conditions:
Familial cancer of breast. Also called: Hereditary breast cancer; hereditary breast carcinoma; BREAST CANCER, FAMILIAL. Identifiers: Orphanet 227535, MedGen C0346153, MONDO:0016419, OMIM 114480. Disease mechanism: loss of function.

Allele frequency attached by ClinVar (database versions not stated): gnomAD exomes below 0.00001.
gnomAD v4.1: 1 of 1,613,896 alleles (0.000062%); highest among the groups gnomAD compares: African/African-American, 0.0013%; no homozygotes.

Submission:

Labcorp Genetics (formerly Invitae), Labcorp
Classification: Uncertain significance for Familial cancer of breast. Last evaluated: 2024-03-13. Review status: criteria provided, single submitter. Criteria: Invitae Variant Classification Sherloc (09022015). Collection method: clinical testing. Allele origin: germline.
Comment: This sequence change replaces alanine, which is neutral and non-polar, with valine, which is neutral and non-polar, at codon 1115 of the PALB2 protein (p.Ala1115Val). This variant is present in population databases (no rsID available, gnomAD 0.007%). This variant has not been reported in the literature in individuals affected with PALB2-related conditions. ClinVar contains an entry for this variant (Variation ID: 947931). An algorithm developed to predict the effect of missense changes on protein structure and function (PolyPhen-2) suggests that this variant is likely to be tolerated. In summary, the available evidence is currently insufficient to determine the role of this variant in disease. Therefore, it has been classified as a Variant of Uncertain Significance.